The following is an entry in ClinVar:

NM_181703.4(GJA5):c.625G>A (p.Val209Ile)

Genes: GJA5 (gap junction protein alpha 5; minus strand), LOC122128420 (Sharpr-MPRA regulatory region 3144; plus strand). Cytogenetic location: 1q21.2.
Variant type: single nucleotide variant.
Coding change: c.625G>A on transcript NM_181703.4 (MANE Select); coding-DNA position 625, G replaced by A.
Protein change: p.Val209Ile; replaces valine 209 with isoleucine.
Molecular consequence: missense variant.
Genome position (GRCh38, 1-based): chr1:147,758,614, C>T on the plus strand (G>A on the coding strand, the complement: GJA5 is on the minus strand). VCF-style: chr1-147758614-C-T. GRCh37 (hg19) VCF-style: chr1-147230722-C-T.
Other names: c.625G>A, p.Val209Ile (NM_005266.7); short protein forms V209I.
Identifiers: ClinVar variation 3761873 (VCV003761873.2).

ClinVar aggregate classification (germline): Uncertain significance (1 of 4 stars; one submission).

Conditions:
Atrial standstill 1 (ATRST1). Also called: ATRIAL CARDIOMYOPATHY WITH HEART BLOCK; CARDIOMYOPATHY, FAMILIAL, WITH CONDUCTION DISTURBANCE; Atrial standstill, digenic (GJA5/SCN5A). Identifiers: Orphanet 1344, MedGen C4551959, MONDO:0007171, OMIM 108770.
Atrial fibrillation, familial, 11 (ATFB11). Identifiers: MedGen C3279693, MONDO:0013544, OMIM 614049.

gnomAD v4.1: 9 of 1,614,188 alleles (0.00056%); highest among the groups gnomAD compares: Non-Finnish European, 0.00068%; no homozygotes.

Submission:

Labcorp Genetics (formerly Invitae), Labcorp
Classification: Uncertain significance for Atrial fibrillation, familial, 11; Atrial standstill 1. Last evaluated: 2024-10-15. Review status: criteria provided, single submitter. Criteria: Invitae Variant Classification Sherloc (09022015). Collection method: clinical testing. Allele origin: germline.
Comment: This sequence change replaces valine, which is neutral and non-polar, with isoleucine, which is neutral and non-polar, at codon 209 of the GJA5 protein (p.Val209Ile). This variant is present in population databases (rs144018774, gnomAD 0.0009%). This variant has not been reported in the literature in individuals affected with GJA5-related conditions. Invitae Evidence Modeling of protein sequence and biophysical properties (such as structural, functional, and spatial information, amino acid conservation, physicochemical variation, residue mobility, and thermodynamic stability) indicates that this missense variant is not expected to disrupt GJA5 protein function with a negative predictive value of 80%. In summary, the available evidence is currently insufficient to determine the role of this variant in disease. Therefore, it has been classified as a Variant of Uncertain Significance.